The following is an entry in ClinVar:

ClinVar aggregate classification (germline): Likely benign (1 of 4 stars; one submission).

Allele frequency attached by ClinVar (database versions not stated): gnomAD exomes 0.00009; ExAC 0.00026; gnomAD 0.00058; TOPMed 0.00060; ESP Exome Variant Server 0.00066; 1000 Genomes Project 30x 0.00104; 1000 Genomes Project 0.00106.
gnomAD v4.1: 167 of 1,166,377 alleles (0.014%); highest among the groups gnomAD compares: African/African-American, 0.19%; no homozygotes.

Submission:

CeGaT Center for Human Genetics Tuebingen
Classification: Likely benign. Last evaluated: 2023-03-01. Review status: criteria provided, single submitter. Criteria: CeGaT Center For Human Genetics Tuebingen Variant Classification Criteria Version 2. Collection method: clinical testing. Allele origin: germline. Affected: yes. Observed: 2 variant alleles.
Comment: PPEF1: BP4, BP7, BS2

NM_001377996.1(PPEF1):c.297C>T (p.Asp99=)

Gene: PPEF1 (protein phosphatase with EF-hand domain 1; plus strand). Cytogenetic location: Xp22.13.
Variant type: single nucleotide variant.
Coding change: c.297C>T on transcript NM_001377996.1 (MANE Select); coding-DNA position 297, C replaced by T.
Protein change: p.Asp99=; no amino-acid change (aspartic acid 99 retained).
Molecular consequence: synonymous variant. On other transcripts: intron variant (1).
Genome position (GRCh38, 1-based): chrX:18,749,853, C>T. VCF-style: chrX-18749853-C-T. GRCh37 (hg19) VCF-style: chrX-18767971-C-T.
Other names: c.297C>T, p.Asp99= (NM_001377986.2, NM_001377993.1, NM_001378381.1 and 6 more transcripts); c.102C>T, p.Asp34= (NM_001377994.1); c.27C>T, p.Asp9= (NM_001377995.1, NM_001389624.1); c.236-11677C>T (NM_001378382.1).
Identifiers: ClinVar variation 2660108 (VCV002660108.24), dbSNP rs150392543, ClinGen allele CA10360927.